The following is an entry in ClinVar:

NM_020738.4(KIDINS220):c.4709_4710del (p.Lys1570fs)

Gene: KIDINS220 (kinase D interacting substrate 220; minus strand). Cytogenetic location: 2p25.1.
Variant type: Deletion.
Coding change: c.4709_4710del on transcript NM_020738.4 (MANE Select); coding-DNA positions 4709 to 4710, 2 bases deleted (AA; older notation c.4709_4710delAA).
Protein change: p.Lys1570fs; shifts the reading frame from lysine 1570.
Molecular consequence: frameshift variant. On other transcripts: intron variant (6).
Genome position (GRCh38, 1-based): chr2:8,731,326-8,731,327, TT deleted on the plus strand (AA on the coding strand, the reverse complement: KIDINS220 is on the minus strand); deleting any 2 consecutive bases within chr2:8,731,326-8,731,328 gives the same sequence; the c. name uses the placement nearest the transcript's 3' end. VCF-style (leftmost placement, unchanged base first): chr2-8731325-CTT-C. GRCh37 (hg19) VCF-style: chr2-8871455-CTT-C.
Other names: c.4712_4713del, p.Lys1571fs (NM_001348729.2); c.4655_4656del, p.Lys1552fs (NM_001348731.2); c.4652_4653del, p.Lys1551fs (NM_001348732.2); c.4541_4542del, p.Lys1514fs (NM_001348734.2); c.4538_4539del, p.Lys1513fs (NM_001348735.2); c.4412_4413del, p.Lys1471fs (NM_001348736.2); c.3882+2117_3882+2118del (NM_001348741.2, NM_001348742.2, NM_001348743.2); c.3996+2117_3996+2118del (NM_001348738.2); and 1 more; short protein forms K1471fs, K1513fs, K1514fs, K1551fs, K1552fs, K1570fs, K1571fs.
Identifiers: ClinVar variation 3900092 (VCV003900092.1).

ClinVar aggregate classification (germline): Uncertain significance (1 of 4 stars; one submission).

Submission:

GeneDx
Classification: Uncertain significance. Last evaluated: 2024-11-20. Review status: criteria provided, single submitter. Criteria: GeneDx Variant Classification Process June 2021. Collection method: clinical testing. Allele origin: germline. Affected: yes.
Comment: Not observed at significant frequency in large population cohorts (gnomAD); Frameshift variant predicted to result in abnormal protein length as the last 202 amino acid(s) are replaced with 8 different amino acid(s); Has not been previously published as pathogenic or benign to our knowledge